The following is an entry in ClinVar:

NM_000368.5(TSC1):c.211-12T>C

Gene: TSC1 (TSC complex subunit 1; minus strand). Cytogenetic location: 9q34.13.
Variant type: single nucleotide variant.
Coding change: c.211-12T>C on transcript NM_000368.5 (MANE Select); 12 bases into the intron before coding-DNA position 211, T replaced by C.
Molecular consequence: intron variant.
Genome position (GRCh38, 1-based): chr9:132,925,751, A>G on the plus strand (T>C on the coding strand, the complement: TSC1 is on the minus strand). VCF-style: chr9-132925751-A-G. GRCh37 (hg19) VCF-style: chr9-135801138-A-G.
Other names: c.-153-12T>C (NM_001406620.1, NM_001406618.1, NM_001406625.1 and 5 more transcripts); c.210+1450T>C (NM_001406613.1, NM_001406612.1, NM_001406610.1 and 2 more transcripts); c.-667-12T>C (NM_001406627.1, NM_001406628.1, NM_001406626.1); c.-809-12T>C (NM_001406629.1); c.211-12T>C (NM_001406603.1, NM_001406609.1, NM_001406597.1 and 16 more transcripts); c.-245-12T>C (NM_001406614.1, NM_001406624.1, NM_001406616.1); c.-883-12T>C (NM_001406630.1); c.-278-12T>C (NM_001406623.1, NM_001406615.1).
Identifiers: ClinVar variation 2920519 (VCV002920519.4), dbSNP rs973481600, ClinGen allele CA200902188.

ClinVar aggregate classification (germline): Likely benign. Review status: criteria provided, multiple submitters, no conflicts (2 of 4 stars). 2 submissions from 2 submitters: Likely benign (2). Last evaluated 2025-04-07.

Conditions:
Tuberous sclerosis 1 (TSC1). Identifiers: Orphanet 805, MedGen C1854465, MONDO:0008612, OMIM 191100.

Allele frequency attached by ClinVar (database versions not stated): gnomAD exomes below 0.00001.
gnomAD v4.1: 2 of 1,614,208 alleles (0.00012%); highest among the groups gnomAD compares: Non-Finnish European, 0.00017%; no homozygotes.

Submissions (2):

Myriad Genetics, Inc.
Classification: Likely benign for Tuberous sclerosis 1. Last evaluated: 2025-04-07. Review status: criteria provided, single submitter. Criteria: Myriad Autosomal Dominant, Autosomal Recessive and X-Linked Classification Criteria (2023). Collection method: clinical testing. Allele origin: unknown.
Comment: This variant is considered likely benign. This variant is intronic and is not expected to impact mRNA splicing.

Labcorp Genetics (formerly Invitae), Labcorp
Classification: Likely benign for Tuberous sclerosis 1. Last evaluated: 2023-01-24. Review status: criteria provided, single submitter. Criteria: Invitae Variant Classification Sherloc (09022015). Collection method: clinical testing. Allele origin: germline.